The following is an entry in ClinVar:

ClinVar aggregate classification (germline): Uncertain significance (1 of 4 stars; one submission).

Conditions:
Dilated cardiomyopathy 1M (CMD1M). Identifiers: Orphanet 154, MedGen C1843808, MONDO:0011840, OMIM 607482.
Hypertrophic cardiomyopathy 12. Identifiers: MedGen C2677491, MONDO:0012804, OMIM 612124.

Submission:

Labcorp Genetics (formerly Invitae), Labcorp
Classification: Uncertain significance for Hypertrophic cardiomyopathy 12; Dilated cardiomyopathy 1M. Last evaluated: 2025-07-13. Review status: criteria provided, single submitter. Criteria: Invitae Variant Classification Sherloc (09022015). Collection method: clinical testing. Allele origin: germline.
Comment: This sequence change replaces cysteine, which is neutral and slightly polar, with tyrosine, which is neutral and polar, at codon 171 of the CSRP3 protein (p.Cys171Tyr). This variant is not present in population databases (gnomAD no frequency). This variant has not been reported in the literature in individuals affected with CSRP3-related conditions. An algorithm developed to predict the effect of missense changes on protein structure and function (PolyPhen-2) suggests that this variant is likely to be disruptive. In summary, the available evidence is currently insufficient to determine the role of this variant in disease. Therefore, it has been classified as a Variant of Uncertain Significance.

NM_003476.5(CSRP3):c.512G>A (p.Cys171Tyr)

Gene: CSRP3 (cysteine and glycine rich protein 3; minus strand). Cytogenetic location: 11p15.1.
Variant type: single nucleotide variant.
Coding change: c.512G>A on transcript NM_003476.5 (MANE Select); coding-DNA position 512, G replaced by A.
Protein change: p.Cys171Tyr; replaces cysteine 171 with tyrosine.
Molecular consequence: missense variant.
Genome position (GRCh38, 1-based): chr11:19,182,743, C>T on the plus strand (G>A on the coding strand, the complement: CSRP3 is on the minus strand). VCF-style: chr11-19182743-C-T. GRCh37 (hg19) VCF-style: chr11-19204290-C-T.
Other names: c.343G>A, p.Ala115Thr (NM_001369404.1); short protein forms C171Y, A115T.
Identifiers: ClinVar variation 4782335 (VCV004782335.1).